The following is an entry in ClinVar:

ClinVar aggregate classification (germline): Pathogenic/Likely pathogenic. Review status: criteria provided, multiple submitters, no conflicts (2 of 4 stars). 7 submissions from 7 submitters: Pathogenic (3); Likely pathogenic (4). Last evaluated 2025-12-03.

Conditions:
EARS2-related disorder. Also called: EARS2-related condition; EARS2-related disorders.
Leukoencephalopathy-thalamus and brainstem anomalies-high lactate syndrome. Also called: Combined oxidative phosphorylation deficiency 12; LEUKOENCEPHALOPATHY WITH THALAMUS AND BRAINSTEM INVOLVEMENT AND HIGH LACTATE. Identifiers: Orphanet 314051, MedGen C4706421, MONDO:0013971, OMIM 614924.

Allele frequency attached by ClinVar (database versions not stated): TOPMed below 0.00001; gnomAD 0.00001.
gnomAD v4.1: 27 of 1,605,774 alleles (0.0017%); highest among the groups gnomAD compares: Non-Finnish European, 0.0023%; no homozygotes.

Submissions (7):

Labcorp Genetics (formerly Invitae), Labcorp
Classification: Pathogenic. Last evaluated: 2025-12-03. Review status: criteria provided, single submitter. Criteria: Invitae Variant Classification Sherloc (09022015). Collection method: clinical testing. Allele origin: germline.
Comment: This sequence change replaces arginine, which is basic and polar, with histidine, which is basic and polar, at codon 107 of the EARS2 protein (p.Arg107His). This variant is not present in population databases (gnomAD no frequency). This missense change has been observed in individual(s) with clinical features of combined oxidative phosphorylation deficiency (PMID: 22492562, 26780086). In at least one individual the data is consistent with being in trans (on the opposite chromosome) from a pathogenic variant. ClinVar contains an entry for this variant (Variation ID: 449533). An algorithm developed to predict the effect of missense changes on protein structure and function outputs the following: PolyPhen-2: "Benign". The histidine amino acid residue is found in multiple mammalian species, which suggests that this missense change does not adversely affect protein function. Studies have shown that this missense change alters EARS2 gene expression (PMID: 26780086). This variant disrupts the p.Arg107 amino acid residue in EARS2. Other variant(s) that disrupt this residue have been determined to be pathogenic (PMID: 26741492, 34440436). This suggests that this residue is clinically significant, and that variants that disrupt this residue are likely to be disease-causing. For these reasons, this variant has been classified as Pathogenic.

Blueprint Genetics
Classification: Likely pathogenic for EARS2-related disorders. Last evaluated: 2024-04-12. Review status: criteria provided, single submitter. Criteria: ACMG Guidelines, 2015. Collection method: clinical testing. Allele origin: germline. Affected: yes. Observed: 3 variant alleles.

Victorian Clinical Genetics Services, Murdoch Childrens Research Institute
Classification: Pathogenic for Leukoencephalopathy-thalamus and brainstem anomalies-high lactate syndrome. Last evaluated: 2023-07-17. Review status: criteria provided, single submitter. Criteria: ACMG Guidelines, 2015. Collection method: clinical testing. Allele origin: germline. Inheritance: Autosomal recessive inheritance. Affected: no.
Comment: Based on the classification scheme VCGS_Germline_v1.3.4, this variant is classified as pathogenic. The following criteria are met: 0102 - Loss of function is a known mechanism of disease in this gene and is associated with combined oxidative phosphorylation deficiency 12 (MIM#614924). (I) 0106 - This gene is associated with autosomal recessive disease. (I) 0200 - Variant is predicted to result in a missense amino acid change from arginine to histidine. (I) 0251 - This variant is heterozygous. (I) 0304 - Variant is present in gnomAD (v3) <0.01 for a recessive condition (1 heterozygote, 0 homozygotes). (SP) 0309 - An alternative amino acid change at the same position has been observed in gnomAD (v2) (3 heterozygotes, 0 homozygotes). (I) 0503 - Missense variant consistently predicted to be tolerated by multiple in silico tools or not conserved in placental mammals with a minor amino acid change. (SB) 0600 - Variant is located in the annotated tRNA synthetases class I (E and Q), catalytic domain (DECIPHER). (I) 0801 - This variant has strong previous evidence of pathogenicity in unrelated individuals. This variant has been reported as likely pathogenic and pathogenic in ClinVar. It has also been reported in two compound heterozygous individuals with EARS2-related disorders in the literature (PMID: 22492562, 26780086). (SP) 0905 - No published segregation evidence has been identified for this variant. (I) 1001 - This variant has strong functional evidence supporting abnormal protein function. A clear decrease in EARS2 protein levels, increase in mitochondrial mass and an elevated ROS production was demonstrated in patient-derived fibroblast with this variant and a different EARS2 variant on the other allele (PMID: 26780086). (SP) 0705 - No comparable missense variants have previous evidence for pathogenicity. p.(Arg107Cys) has previously been reported as likely pathogenic (ClinVar) however was not used as supporting evidence as this substitution constitutes are bigger amino acid change. (I) Legend: (SP) - Supporting pathogenic, (I) - Information, (SB) - Supporting benign

Genetics and Molecular Pathology, SA Pathology
Classification: Likely pathogenic for Leukoencephalopathy-thalamus and brainstem anomalies-high lactate syndrome. Last evaluated: 2022-12-19. Review status: criteria provided, single submitter. Criteria: ACMG Guidelines, 2015. Collection method: clinical testing. Allele origin: germline. Inheritance: Autosomal recessive inheritance. Affected: yes.
Comment: The EARS2 c.320G>A variant is a single nucleotide change in exon 3/9 of the EARS2 gene, which is predicted to change the amino acid arginine at position 107 in the protein to histidine. The variant is rare in population databases (gnomAD allele frequency = 0.00065%; 1 het and 0 hom in 152250 sequenced alleles) (PM2). This variant has also been reported twice in the literature in patients with neonatal hypoglycemia, severe lactic acidosis and corpus callosum agenesis: in trans with c.1A>G (PMID: 22492562) and c.328G>A / p.(Gly110Ser) (PMID: 26780086) (PM3_Strong). Functional studies in patient-derived fibroblasts demonstrated elevated ROS production in patient cells compared to several control cell lines, suggesting altered redox homeostasis (PMID: 26780086) (PS3_supporting). This variant is a novel missense change at an amino acid residue where a different likely pathogenic missense change has been seen before (c.319C>T; p.R107C) (PMID: 26741492) (PM5). The variant has been reported in dbSNP (rs1021330566) and has been reported as Pathogenic/Likely pathogenic by other diagnostic laboratories (ClinVar Variation ID: 449533). It has been reported in HGMD (CM123408).

CeGaT Center for Human Genetics Tuebingen
Classification: Likely pathogenic. Last evaluated: 2021-05-01. Review status: criteria provided, single submitter. Criteria: CeGaT Center For Human Genetics Tuebingen Variant Classification Criteria Version 2. Collection method: clinical testing. Allele origin: germline. Affected: yes. Observed: 2 variant alleles.

Institute of Human Genetics Munich, TUM University Hospital
Classification: Pathogenic for Leukoencephalopathy-thalamus and brainstem anomalies-high lactate syndrome. Last evaluated: 2017-12-09. Review status: criteria provided, single submitter. Criteria: Classification criteria August 2017. Collection method: clinical testing. Allele origin: germline. Inheritance: Autosomal recessive inheritance. Affected: yes. Observed: 1 compound heterozygote.

GeneDx
Classification: Likely pathogenic. Last evaluated: 2017-10-25. Review status: criteria provided, single submitter. Criteria: GeneDx Variant Classification (06012015). Collection method: clinical testing. Allele origin: germline. Affected: yes.
Comment: The R107H variant in the EARS2 gene has been reported previously in the compound heterozygous state along with another EARS2 variant in a few patients with infantile-onset mitochondrial encephalopathy (Steenweg et al., 2012; Danhauser et al., 2016). The R107H variant is not observed in large population cohorts (Lek et al., 2016). The R107H variant is a conservative amino acid substitution, which is not likely to impact secondary protein structure as these residues share similar properties. This substitution occurs at a position that is not conserved. In silico analysis is inconsistent in its predictions as to whether or not the variant is damaging to the protein structure/function. We interpret R107H as a likely pathogenic variant.

Literature cited by the submitters: PubMed 22492562 (cited by 3 submitters); PubMed 26780086 (cited by 4 submitters); PubMed 26741492 (cited by Labcorp Genetics (formerly Invitae), Labcorp and Genetics and Molecular Pathology, SA Pathology); PubMed 34440436 (cited by Labcorp Genetics (formerly Invitae), Labcorp).

NM_001083614.2(EARS2):c.320G>A (p.Arg107His)

Gene: EARS2 (glutamyl-tRNA synthetase 2, mitochondrial; minus strand). Cytogenetic location: 16p12.2.
Variant type: single nucleotide variant.
Coding change: c.320G>A on transcript NM_001083614.2 (MANE Select); coding-DNA position 320, G replaced by A.
Protein change: p.Arg107His; replaces arginine 107 with histidine.
Molecular consequence: missense variant. On other transcripts: non-coding transcript variant (1).
Genome position (GRCh38, 1-based): chr16:23,544,679, C>T on the plus strand (G>A on the coding strand, the complement: EARS2 is on the minus strand). VCF-style: chr16-23544679-C-T. GRCh37 (hg19) VCF-style: chr16-23556000-C-T.
Other names: c.320G>A, p.Arg107His (NM_001308211.1); short protein forms R107H.
Identifiers: ClinVar variation 449533 (VCV000449533.49), dbSNP rs1021330566, ClinGen allele CA279528991.